The following is an entry in ClinVar:

ClinVar aggregate classification (germline): Likely benign. Review status: criteria provided, multiple submitters, no conflicts (2 of 4 stars). 2 submissions from 2 submitters: Likely benign (2). Last evaluated 2023-10-01.

Conditions:
Inborn genetic diseases. Identifiers: MedGen C0950123, MeSH D030342.

Submissions (2):

CeGaT Center for Human Genetics Tuebingen
Classification: Likely benign. Last evaluated: 2023-10-01. Review status: criteria provided, single submitter. Criteria: CeGaT Center For Human Genetics Tuebingen Variant Classification Criteria Version 2. Collection method: clinical testing. Allele origin: germline. Affected: yes. Observed: 1 variant allele.
Comment: SHANK3: BP4, BP7

Ambry Genetics
Classification: Likely benign for Inborn genetic diseases. Last evaluated: 2016-06-01. Review status: criteria provided, single submitter. Criteria: Ambry Variant Classification Scheme 2023. Collection method: clinical testing. Allele origin: germline.

NM_001372044.2(SHANK3):c.2676G>C (p.Pro892=)

Gene: SHANK3 (SH3 and multiple ankyrin repeat domains 3; plus strand). Cytogenetic location: 22q13.33.
Variant type: single nucleotide variant.
Coding change: c.2676G>C on transcript NM_001372044.2 (MANE Select); coding-DNA position 2676, G replaced by C.
Protein change: p.Pro892=; no amino-acid change (proline 892 retained).
Molecular consequence: synonymous variant.
Genome position (GRCh38, 1-based): chr22:50,720,284, G>C. VCF-style: chr22-50720284-G-C. GRCh37 (hg19) VCF-style: chr22-51158712-G-C.
Other names: c.2451G>C, p.Pro817= (NM_033517.1).
Identifiers: ClinVar variation 587930 (VCV000587930.28), dbSNP rs1173390690, ClinGen allele CA515258805.